The following is an entry in ClinVar:

ClinVar aggregate classification (germline): Likely benign. Review status: criteria provided, multiple submitters, no conflicts (2 of 4 stars). 4 submissions from 4 submitters: Likely benign (4). Last evaluated 2025-12-01.

Conditions:
Inborn genetic diseases. Identifiers: MedGen C0950123, MeSH D030342.
Rubinstein-Taybi syndrome (RSTS). Identifiers: Orphanet 783, MedGen C0035934, MONDO:0019188.

Allele frequency attached by ClinVar (database versions not stated): ExAC 0.00003; gnomAD 0.00003; TOPMed 0.00005; gnomAD exomes 0.00006.
gnomAD v4.1: 94 of 1,614,074 alleles (0.0058%); highest among the groups gnomAD compares: Non-Finnish European, 0.0077%; no homozygotes.

Submissions (4):

CeGaT Center for Human Genetics Tuebingen
Classification: Likely benign. Last evaluated: 2025-12-01. Review status: criteria provided, single submitter. Criteria: CeGaT Center For Human Genetics Tuebingen Variant Classification Criteria Version 2. Collection method: clinical testing. Allele origin: germline. Affected: yes. Observed: 2 variant alleles.
Comment: CREBBP: BP4, BP7

Labcorp Genetics (formerly Invitae), Labcorp
Classification: Likely benign for Rubinstein-Taybi syndrome. Last evaluated: 2025-09-02. Review status: criteria provided, single submitter. Criteria: Invitae Variant Classification Sherloc (09022015). Collection method: clinical testing. Allele origin: germline.

Blueprint Genetics
Classification: Likely benign. Last evaluated: 2024-10-30. Review status: criteria provided, single submitter. Criteria: ACMG Guidelines, 2015. Collection method: clinical testing. Allele origin: germline.

Ambry Genetics
Classification: Likely benign for Inborn genetic diseases. Last evaluated: 2019-10-23. Review status: criteria provided, single submitter. Criteria: Ambry Variant Classification Scheme 2023. Collection method: clinical testing. Allele origin: germline.

NM_004380.3(CREBBP):c.5571C>T (p.His1857=)

Gene: CREBBP (CREB binding lysine acetyltransferase; minus strand). Cytogenetic location: 16p13.3.
Variant type: single nucleotide variant.
Coding change: c.5571C>T on transcript NM_004380.3 (MANE Select); coding-DNA position 5571, C replaced by T.
Protein change: p.His1857=; no amino-acid change (histidine 1857 retained).
Molecular consequence: synonymous variant.
Genome position (GRCh38, 1-based): chr16:3,729,476, G>A on the plus strand (C>T on the coding strand, the complement: CREBBP is on the minus strand). VCF-style: chr16-3729476-G-A. GRCh37 (hg19) VCF-style: chr16-3779477-G-A.
Other names: c.5457C>T, p.His1819= (NM_001079846.1).
Identifiers: ClinVar variation 1748373 (VCV001748373.30), dbSNP rs773738846, ClinGen allele CA7869271.
Genomic context (GRCh38, chr16:3,729,476, plus strand): 5'-CACGTTGCGGGTGTTCATGGTGGCCATCCGCCGGCGCATGAGCTGGGCCTGCTGCAGGCG[G>A]TGCTGGATCTGCTGCTGGCGGAGCTTGTGTTTGATGTTGAGGCAGAAGGGCACGGGGCAT-3'
Protein context (NP_004371.2, residues 1847-1867): KHKLRQQQIQ[His1857=]RLQQAQLMRR